The following is an entry in ClinVar:

NM_000057.4(BLM):c.3904T>A (p.Ser1302Thr)

Gene: BLM (BLM RecQ like helicase; plus strand). Cytogenetic location: 15q26.1.
Variant type: single nucleotide variant.
Coding change: c.3904T>A on transcript NM_000057.4 (MANE Select); coding-DNA position 3904, T replaced by A.
Protein change: p.Ser1302Thr; replaces serine 1302 with threonine.
Molecular consequence: missense variant.
Genome position (GRCh38, 1-based): chr15:90,811,234, T>A. VCF-style: chr15-90811234-T-A. GRCh37 (hg19) VCF-style: chr15-91354464-T-A.
Other names: c.3904T>A, p.Ser1302Thr (NM_001287246.2); c.3511T>A, p.Ser1171Thr (NM_001287247.2); c.2779T>A, p.Ser927Thr (NM_001287248.2); short protein forms S927T, S1171T, S1302T.
Identifiers: ClinVar variation 4211945 (VCV004211945.1).

ClinVar aggregate classification (germline): Uncertain significance (1 of 4 stars; one submission).

Conditions:
Hereditary cancer-predisposing syndrome. Also called: Neoplastic Syndromes, Hereditary; Tumor predisposition; Hereditary Cancer Syndrome; Hereditary neoplastic syndrome. Identifiers: Orphanet 140162, MedGen C0027672, MeSH D009386, MONDO:0015356.

Submission:

Ambry Genetics
Classification: Uncertain significance for Hereditary cancer-predisposing syndrome. Last evaluated: 2025-08-07. Review status: criteria provided, single submitter. Criteria: Ambry Variant Classification Scheme 2023. Collection method: clinical testing. Allele origin: germline.
Comment: The p.S1302T variant (also known as c.3904T>A), located in coding exon 20 of the BLM gene, results from a T to A substitution at nucleotide position 3904. The serine at codon 1302 is replaced by threonine, an amino acid with similar properties. This amino acid position is conserved. In addition, this alteration is predicted to be tolerated by in silico analysis. Based on the available evidence, the clinical significance of this variant remains unclear.